The following is an entry in ClinVar:

NM_145178.4(ATOH7):c.41G>A (p.Arg14His)

Genes: ATOH7 (atonal bHLH transcription factor 7; minus strand), LOC130003943 (ATAC-STARR-seq lymphoblastoid silent region 2418; plus strand). Cytogenetic location: 10q21.3.
Variant type: single nucleotide variant.
Coding change: c.41G>A on transcript NM_145178.4 (MANE Select); coding-DNA position 41, G replaced by A.
Protein change: p.Arg14His; replaces arginine 14 with histidine.
Molecular consequence: missense variant.
Genome position (GRCh38, 1-based): chr10:68,231,637, C>T on the plus strand (G>A on the coding strand, the complement: ATOH7 is on the minus strand). VCF-style: chr10-68231637-C-T. GRCh37 (hg19) VCF-style: chr10-69991394-C-T.
Other names: short protein forms R14H.
Identifiers: ClinVar variation 968891 (VCV000968891.8), dbSNP rs867300150, ClinGen allele CA208210066.
Genomic context (GRCh38, chr10:68,231,637, plus strand): 5'-CGCCCGGCCCCGGCGCACGTGCCCGCGCACTCGGTGCCGCCCGCGCACGGGGGTGCAACG[C>T]GCGCTCCCGCCGGCGGGCCGCTGGGCTTGCAGGACTTCATCCCCGGCCCCAAGCAGCGAG-3'
Protein context (NP_660161.1, residues 4-24): CKPSGPPAGA[Arg14His]VAPPCAGGTE

ClinVar aggregate classification (germline): Conflicting classifications of pathogenicity. Review status: criteria provided, conflicting classifications (1 of 4 stars). 2 submissions from 2 submitters: Uncertain significance (1); Likely benign (1). Last evaluated 2024-12-02.

Allele frequency attached by ClinVar (database versions not stated): gnomAD exomes 0.00005; 1000 Genomes Project 30x 0.00016; gnomAD 0.00059 and 0.00063; TOPMed 0.00073.

Submissions (2):

Labcorp Genetics (formerly Invitae), Labcorp
Classification: Uncertain significance. Last evaluated: 2024-12-02. Review status: criteria provided, single submitter. Criteria: Invitae Variant Classification Sherloc (09022015). Collection method: clinical testing. Allele origin: germline.
Comment: This sequence change replaces arginine, which is basic and polar, with histidine, which is basic and polar, at codon 14 of the ATOH7 protein (p.Arg14His). This variant is present in population databases (no rsID available, gnomAD 0.2%). This variant has not been reported in the literature in individuals affected with ATOH7-related conditions. ClinVar contains an entry for this variant (Variation ID: 968891). An algorithm developed to predict the effect of missense changes on protein structure and function (PolyPhen-2) suggests that this variant is likely to be disruptive. In summary, the available evidence is currently insufficient to determine the role of this variant in disease. Therefore, it has been classified as a Variant of Uncertain Significance.

Blueprint Genetics
Classification: Likely benign. Last evaluated: 2024-07-10. Review status: criteria provided, single submitter. Criteria: ACMG Guidelines, 2015. Collection method: clinical testing. Allele origin: germline.